The following is an entry in ClinVar:

NM_004928.3(CFAP410):c.73T>C (p.Cys25Arg)

Genes: CFAP410 (cilia and flagella associated protein 410; minus strand), LOC130066823 (ATAC-STARR-seq lymphoblastoid silent region 13383; plus strand). Cytogenetic location: 21q22.3.
Variant type: single nucleotide variant.
Coding change: c.73T>C on transcript NM_004928.3 (MANE Select); coding-DNA position 73, T replaced by C.
Protein change: p.Cys25Arg; replaces cysteine 25 with arginine.
Molecular consequence: missense variant.
Genome position (GRCh38, 1-based): chr21:44,339,122, A>G on the plus strand (T>C on the coding strand, the complement: CFAP410 is on the minus strand). VCF-style: chr21-44339122-A-G. GRCh37 (hg19) VCF-style: chr21-45759005-A-G.
Other names: c.73T>C, p.Cys25Arg (NM_001271440.2, NM_001271441.2); short protein forms C25R.
Identifiers: ClinVar variation 1980264 (VCV001980264.4), dbSNP rs1478299726, ClinGen allele CA410460987.

ClinVar aggregate classification (germline): Conflicting classifications of pathogenicity. Review status: criteria provided, conflicting classifications (1 of 4 stars). 3 submissions from 3 submitters: Likely pathogenic (1); Uncertain significance (2). Last evaluated 2024-01-17.

Conditions:
Retinal dystrophy with or without macular staphyloma. Identifiers: Orphanet 653709, MedGen C4479651, MONDO:0060507, OMIM 617547.

gnomAD v4.1: 1 of 1,444,296 alleles (0.000069%); highest among the groups gnomAD compares: Non-Finnish European, 0.000092%; no homozygotes.

Submissions (3):

Ocular Genomics Institute, Massachusetts Eye and Ear
Classification: Likely pathogenic for Retinal dystrophy with or without macular staphyloma. Last evaluated: 2024-01-17. Review status: criteria provided, single submitter. Criteria: ACMG Guidelines, 2015. Collection method: research. Allele origin: germline. Affected: yes. Observed: 1 variant allele.

Labcorp Genetics (formerly Invitae), Labcorp
Classification: Uncertain significance. Last evaluated: 2023-12-17. Review status: criteria provided, single submitter. Criteria: Invitae Variant Classification Sherloc (09022015). Collection method: clinical testing. Allele origin: germline.
Comment: This sequence change replaces cysteine, which is neutral and slightly polar, with arginine, which is basic and polar, at codon 25 of the CFAP410 protein (p.Cys25Arg). This variant is not present in population databases (gnomAD no frequency). This missense change has been observed in individual(s) with CFAP410-related conditions (Invitae). ClinVar contains an entry for this variant (Variation ID: 1980264). Advanced modeling of protein sequence and biophysical properties (such as structural, functional, and spatial information, amino acid conservation, physicochemical variation, residue mobility, and thermodynamic stability) performed at Invitae indicates that this missense variant is expected to disrupt CFAP410 protein function with a positive predictive value of 80%. In summary, the available evidence is currently insufficient to determine the role of this variant in disease. Therefore, it has been classified as a Variant of Uncertain Significance.

Blueprint Genetics
Classification: Uncertain significance. Last evaluated: 2019-08-19. Review status: criteria provided, single submitter. Criteria: ACMG Guidelines, 2015. Collection method: clinical testing. Allele origin: germline.